The following is an entry in ClinVar:

NM_000709.4(BCKDHA):c.743C>T (p.Ala248Val)

Gene: BCKDHA (branched chain keto acid dehydrogenase E1 subunit alpha; plus strand). Cytogenetic location: 19q13.2.
Variant type: single nucleotide variant.
Coding change: c.743C>T on transcript NM_000709.4 (MANE Select); coding-DNA position 743, C replaced by T.
Protein change: p.Ala248Val; replaces alanine 248 with valine.
Molecular consequence: missense variant.
Genome position (GRCh38, 1-based): chr19:41,422,260, C>T. VCF-style: chr19-41422260-C-T. GRCh37 (hg19) VCF-style: chr19-41928165-C-T.
Other names: c.743C>T, p.Ala248Val (NM_001164783.2); short protein forms A248V.
Identifiers: ClinVar variation 1685253 (VCV001685253.6), dbSNP rs887411374, ClinGen allele CA308524255.
Genomic context (GRCh38, chr19:41,422,260, plus strand): 5'-CCAACAGGGTCGTCATCTGTTACTTCGGCGAGGGGGCAGCCAGTGAGGGGGACGCCCATG[C>T]CGGCTTCAACTTCGCTGCCACACTTGAGTGCCCCATCATCTTCTTCTGCCGGAACAATGG-3'
Protein context (NP_000700.1, residues 238-258): EGAASEGDAH[Ala248Val]GFNFAATLEC

ClinVar aggregate classification (germline): Conflicting classifications of pathogenicity. Review status: criteria provided, conflicting classifications (1 of 4 stars). 2 submissions from 2 submitters: Likely pathogenic (1); Uncertain significance (1). Last evaluated 2024-07-01.

Conditions:
Maple syrup urine disease (MSUD). Identifiers: Orphanet 511, MedGen C0024776, MeSH D008375, MONDO:0009563. Disease mechanism: loss of function.

Submissions (2):

Labcorp Genetics (formerly Invitae), Labcorp
Classification: Uncertain significance for Maple syrup urine disease. Last evaluated: 2024-07-01. Review status: criteria provided, single submitter. Criteria: Invitae Variant Classification Sherloc (09022015). Collection method: clinical testing. Allele origin: germline.
Comment: This sequence change replaces alanine, which is neutral and non-polar, with valine, which is neutral and non-polar, at codon 248 of the BCKDHA protein (p.Ala248Val). This variant is not present in population databases (gnomAD no frequency). This missense change has been observed in individual(s) with maple syrup urine disease (PMID: 35281663). ClinVar contains an entry for this variant (Variation ID: 1685253). Advanced modeling of protein sequence and biophysical properties (such as structural, functional, and spatial information, amino acid conservation, physicochemical variation, residue mobility, and thermodynamic stability) performed at Invitae indicates that this missense variant is expected to disrupt BCKDHA protein function with a positive predictive value of 95%. In summary, the available evidence is currently insufficient to determine the role of this variant in disease. Therefore, it has been classified as a Variant of Uncertain Significance.

Mendelics
Classification: Likely pathogenic for Maple syrup urine disease type 1A. Last evaluated: 2022-05-04. Review status: criteria provided, single submitter. Criteria: Mendelics Assertion Criteria 2019. Collection method: clinical testing. Allele origin: germline.

Literature cited by the submitters: PubMed 35281663 (cited by Labcorp Genetics (formerly Invitae), Labcorp).